The following is an entry in ClinVar:

ClinVar aggregate classification (germline): Likely benign (1 of 4 stars; one submission).

Allele frequency attached by ClinVar (database versions not stated): ExAC 0.00002; gnomAD 0.00005; TOPMed 0.00007.
gnomAD v4.1: 29 of 1,614,040 alleles (0.0018%); highest among the groups gnomAD compares: African/African-American, 0.012%; no homozygotes.

Submission:

CeGaT Center for Human Genetics Tuebingen
Classification: Likely benign. Last evaluated: 2023-03-01. Review status: criteria provided, single submitter. Criteria: CeGaT Center For Human Genetics Tuebingen Variant Classification Criteria Version 2. Collection method: clinical testing. Allele origin: germline. Affected: yes. Observed: 1 variant allele.
Comment: SLC2A7: BP4, BP7

NM_207420.3(SLC2A7):c.192C>T (p.His64=)

Gene: SLC2A7 (solute carrier family 2 member 7; minus strand). Cytogenetic location: 1p36.23.
Variant type: single nucleotide variant.
Coding change: c.192C>T on transcript NM_207420.3 (MANE Select); coding-DNA position 192, C replaced by T.
Protein change: p.His64=; no amino-acid change (histidine 64 retained).
Molecular consequence: synonymous variant.
Genome position (GRCh38, 1-based): chr1:9,023,037, G>A on the plus strand (C>T on the coding strand, the complement: SLC2A7 is on the minus strand). VCF-style: chr1-9023037-G-A. GRCh37 (hg19) VCF-style: chr1-9083096-G-A.
Identifiers: ClinVar variation 2638185 (VCV002638185.24), dbSNP rs779773770, ClinGen allele CA573794.